The following is an entry in ClinVar:

NM_000539.3(RHO):c.925A>T (p.Met309Leu)

Gene: RHO (rhodopsin; plus strand). Cytogenetic location: 3q22.1.
Variant type: single nucleotide variant.
Coding change: c.925A>T on transcript NM_000539.3 (MANE Select); coding-DNA position 925, A replaced by T.
Protein change: p.Met309Leu; replaces methionine 309 with leucine.
Molecular consequence: missense variant.
Genome position (GRCh38, 1-based): chr3:129,532,761, A>T. VCF-style: chr3-129532761-A-T. GRCh37 (hg19) VCF-style: chr3-129251604-A-T.
Other names: short protein forms M309L.
Identifiers: ClinVar variation 866361 (VCV000866361.11), dbSNP rs146391463, ClinGen allele CA2607311.
Genomic context (GRCh38, chr3:129,532,761, plus strand): 5'-ACCATCCCAGCGTTCTTTGCCAAGAGCGCCGCCATCTACAACCCTGTCATCTATATCATG[A>T]TGAACAAGCAGGTGCCTACTGCGGGTGGGAGGGCCCCAGTGCCCCAGGCCACAGGCGCTG-3'
Protein context (NP_000530.1, residues 299-319): AIYNPVIYIM[Met309Leu]NKQFRNCMLT

ClinVar aggregate classification (germline): Uncertain significance. Review status: criteria provided, multiple submitters, no conflicts (2 of 4 stars). 2 submissions from 2 submitters: Uncertain significance (2). Last evaluated 2025-07-03.

Allele frequency attached by ClinVar (database versions not stated): gnomAD exomes 0.00001; ExAC 0.00002; TOPMed 0.00003; gnomAD 0.00005; ESP Exome Variant Server 0.00015.
gnomAD v4.1: 11 of 1,614,096 alleles (0.00068%); highest among the groups gnomAD compares: African/African-American, 0.013%; no homozygotes.

Submissions (2):

Labcorp Genetics (formerly Invitae), Labcorp
Classification: Uncertain significance. Last evaluated: 2025-07-03. Review status: criteria provided, single submitter. Criteria: Invitae Variant Classification Sherloc (09022015). Collection method: clinical testing. Allele origin: germline.
Comment: This sequence change replaces methionine, which is neutral and non-polar, with leucine, which is neutral and non-polar, at codon 309 of the RHO protein (p.Met309Leu). This variant is present in population databases (rs146391463, gnomAD 0.02%). This variant has not been reported in the literature in individuals affected with RHO-related conditions. ClinVar contains an entry for this variant (Variation ID: 866361). Invitae Evidence Modeling of protein sequence and biophysical properties (such as structural, functional, and spatial information, amino acid conservation, physicochemical variation, residue mobility, and thermodynamic stability) indicates that this missense variant is not expected to disrupt RHO protein function with a negative predictive value of 95%. In summary, the available evidence is currently insufficient to determine the role of this variant in disease. Therefore, it has been classified as a Variant of Uncertain Significance.

Blueprint Genetics
Classification: Uncertain significance. Last evaluated: 2019-05-25. Review status: criteria provided, single submitter. Criteria: ACMG Guidelines, 2015. Collection method: clinical testing. Allele origin: germline.